The following is an entry in ClinVar:

ClinVar aggregate classification (germline): Uncertain significance. Review status: criteria provided, multiple submitters, no conflicts (2 of 4 stars). 2 submissions from 2 submitters: Uncertain significance (2). Last evaluated 2025-10-02.

Conditions:
Muscular dystrophy-dystroglycanopathy (congenital with brain and eye anomalies), type A2. Also called: MUSCULAR DYSTROPHY-DYSTROGLYCANOPATHY (CONGENITAL WITH BRAIN AND EYE ANOMALIES), TYPE A, 2; WALKER-WARBURG SYNDROME OR MUSCLE-EYE-BRAIN DISEASE, POMT2-RELATED. Identifiers: Orphanet 588, Orphanet 899, MedGen C3150411, MONDO:0013154, OMIM 613150.
Muscular dystrophy-dystroglycanopathy (congenital with impaired intellectual development), type B, 2. Also called: Muscular dystrophy-dystroglycanopathy (congenital with intellectual disability), type B2; MUSCULAR DYSTROPHY, CONGENITAL, POMT2-RELATED. Identifiers: MedGen C3150416, MONDO:0013160, OMIM 613156.
Autosomal recessive limb-girdle muscular dystrophy type 2N. Also called: Muscular dystrophy-dystroglycanopathy (limb-girdle), type C, 2; MUSCULAR DYSTROPHY-DYSTROGLYCANOPATHY, LIMB-GIRDLE, POMT2-RELATED. Identifiers: Orphanet 206559, MedGen C3150418, MONDO:0013162, OMIM 613158.

Allele frequency attached by ClinVar (database versions not stated): gnomAD 0.00001; TOPMed 0.00001.
gnomAD v4.1: 4 of 1,614,032 alleles (0.00025%); highest among the groups gnomAD compares: Non-Finnish European, 0.00034%; no homozygotes.

Submissions (2):

Labcorp Genetics (formerly Invitae), Labcorp
Classification: Uncertain significance for Muscular dystrophy-dystroglycanopathy (congenital with impaired intellectual development), type B, 2; Muscular dystrophy-dystroglycanopathy (congenital with brain and eye anomalies), type A2; Autosomal recessive limb-girdle muscular dystrophy type 2N. Last evaluated: 2025-10-02. Review status: criteria provided, single submitter. Criteria: Invitae Variant Classification Sherloc (09022015). Collection method: clinical testing. Allele origin: germline.
Comment: This sequence change falls in intron 12 of the POMT2 gene. It does not directly change the encoded amino acid sequence of the POMT2 protein. It affects a nucleotide within the consensus splice site. This variant is present in population databases (no rsID available, gnomAD 0.007%). This variant has not been reported in the literature in individuals affected with POMT2-related conditions. ClinVar contains an entry for this variant (Variation ID: 952724). Variants that disrupt the consensus splice site are a relatively common cause of aberrant splicing (PMID: 17576681, 9536098). Algorithms developed to predict the effect of sequence changes on RNA splicing suggest that this variant may disrupt the consensus splice site. In summary, the available evidence is currently insufficient to determine the role of this variant in disease. Therefore, it has been classified as a Variant of Uncertain Significance.

GeneDx
Classification: Uncertain significance. Last evaluated: 2022-09-07. Review status: criteria provided, single submitter. Criteria: GeneDx Variant Classification Process June 2021. Collection method: clinical testing. Allele origin: germline. Affected: yes.
Comment: Not observed at significant frequency in large population cohorts (gnomAD); In silico analysis supports a deleterious effect on splicing; Has not been previously published as pathogenic or benign to our knowledge

Literature cited by the submitters: PubMed 17576681 (cited by Labcorp Genetics (formerly Invitae), Labcorp); PubMed 9536098 (cited by Labcorp Genetics (formerly Invitae), Labcorp).

NM_013382.7(POMT2):c.1332+4A>G

Gene: POMT2 (protein O-mannosyltransferase 2; minus strand). Cytogenetic location: 14q24.3.
Variant type: single nucleotide variant.
Coding change: c.1332+4A>G on transcript NM_013382.7 (MANE Select); 4 bases into the intron after coding-DNA position 1332, A replaced by G.
Molecular consequence: intron variant.
Genome position (GRCh38, 1-based): chr14:77,286,740, T>C on the plus strand (A>G on the coding strand, the complement: POMT2 is on the minus strand). VCF-style: chr14-77286740-T-C. GRCh37 (hg19) VCF-style: chr14-77753083-T-C.
Identifiers: ClinVar variation 952724 (VCV000952724.8), dbSNP rs1201960470, ClinGen allele CA615199672.